The following is an entry in ClinVar:

NM_152564.5(VPS13B):c.8560C>T (p.Gln2854Ter)

Gene: VPS13B (vacuolar protein sorting 13 homolog B; plus strand). Cytogenetic location: 8q22.2.
Variant type: single nucleotide variant.
Coding change: c.8560C>T on transcript NM_152564.5 (MANE Select); coding-DNA position 8560, C replaced by T.
Protein change: p.Gln2854Ter; replaces glutamine 2854 with a stop codon.
Molecular consequence: nonsense.
Genome position (GRCh38, 1-based): chr8:99,818,827, C>T. VCF-style: chr8-99818827-C-T. GRCh37 (hg19) VCF-style: chr8-100831055-C-T.
Other names: c.8635C>T, p.Gln2879Ter (NM_017890.5); short protein forms Q2854*, Q2879*.
Identifiers: ClinVar variation 1382248 (VCV001382248.6), dbSNP rs2130814064, ClinGen allele CA371774844.

ClinVar aggregate classification (germline): Pathogenic (1 of 4 stars; one submission).

Conditions:
Cohen syndrome (COH1). Also called: Cutis verticis gyrata, retinitis pigmentosa, and sensorineural deafness; PEPPER SYNDROME. Identifiers: Orphanet 193, MedGen C0265223, MONDO:0008999, OMIM 216550.

gnomAD v4.1: 2 of 1,613,944 alleles (0.00012%); highest among the groups gnomAD compares: South Asian, 0.0022%; no homozygotes.

Submission:

Labcorp Genetics (formerly Invitae), Labcorp
Classification: Pathogenic for Cohen syndrome. Last evaluated: 2020-12-16. Review status: criteria provided, single submitter. Criteria: Invitae Variant Classification Sherloc (09022015). Collection method: clinical testing. Allele origin: germline.
Comment: Algorithms developed to predict the effect of sequence changes on RNA splicing suggest that this variant may create or strengthen a splice site, but this prediction has not been confirmed by published transcriptional studies. For these reasons, this variant has been classified as Pathogenic. This variant has not been reported in the literature in individuals with VPS13B-related conditions. This variant is not present in population databases (ExAC no frequency). This sequence change creates a premature translational stop signal (p.Gln2879*) in the VPS13B gene. It is expected to result in an absent or disrupted protein product. Loss-of-function variants in VPS13B are known to be pathogenic (PMID: 15141358, 16648375, 20461111).

Literature cited by the submitters: PubMed 15141358; PubMed 16648375; PubMed 20461111.